The following is an entry in ClinVar:

NM_014159.7(SETD2):c.500C>T (p.Pro167Leu)

Gene: SETD2 (SET domain containing 2, histone lysine methyltransferase; minus strand). Cytogenetic location: 3p21.31.
Variant type: single nucleotide variant.
Coding change: c.500C>T on transcript NM_014159.7 (MANE Select); coding-DNA position 500, C replaced by T.
Protein change: p.Pro167Leu; replaces proline 167 with leucine.
Molecular consequence: missense variant. On other transcripts: non-coding transcript variant (1).
Genome position (GRCh38, 1-based): chr3:47,124,136, G>A on the plus strand (C>T on the coding strand, the complement: SETD2 is on the minus strand). VCF-style: chr3-47124136-G-A. GRCh37 (hg19) VCF-style: chr3-47165626-G-A.
Other names: c.368C>T, p.Pro123Leu (NM_001349370.3); short protein forms P167L, P123L.
Identifiers: ClinVar variation 475523 (VCV000475523.36), dbSNP rs78682369, ClinGen allele CA2363748.

ClinVar aggregate classification (germline): Benign/Likely benign. Review status: criteria provided, multiple submitters, no conflicts (2 of 4 stars). 6 submissions from 6 submitters: Benign (3); Likely benign (2). 1 of the submissions does not count toward it. Last evaluated 2024-10-17.

Conditions:
Luscan-Lumish syndrome. Identifiers: Orphanet 597738, MedGen C4085873, MONDO:0014791, OMIM 616831.
SETD2-related disorder.

Allele frequency attached by ClinVar (database versions not stated): ExAC 0.00009; gnomAD exomes 0.00015 and 0.00047; 1000 Genomes Project 30x 0.00016; 1000 Genomes Project 0.00020; gnomAD 0.00024 and 0.00025; TOPMed 0.00024; ESP Exome Variant Server 0.00066.
gnomAD v4.1: 696 of 1,551,996 alleles (0.045%); highest among the groups gnomAD compares: Non-Finnish European, 0.058%; no homozygotes.

Submissions (6):

Blueprint Genetics
Classification: Likely benign. Last evaluated: 2024-10-17. Review status: criteria provided, single submitter. Criteria: ACMG Guidelines, 2015. Collection method: clinical testing. Allele origin: germline.

CeGaT Center for Human Genetics Tuebingen
Classification: Likely benign. Last evaluated: 2024-03-01. Review status: criteria provided, single submitter. Criteria: CeGaT Center For Human Genetics Tuebingen Variant Classification Criteria Version 2. Collection method: clinical testing. Allele origin: germline. Affected: yes. Observed: 1 variant allele.
Comment: SETD2: BP4, BS2

Labcorp Genetics (formerly Invitae), Labcorp
Classification: Benign for Luscan-Lumish syndrome. Last evaluated: 2023-08-02. Review status: criteria provided, single submitter. Criteria: Invitae Variant Classification Sherloc (09022015). Collection method: clinical testing. Allele origin: germline.

Genome-Nilou Lab
Classification: Benign for Luscan-Lumish syndrome. Last evaluated: 2022-03-15. Review status: criteria provided, single submitter. Criteria: ACMG Guidelines, 2015. Collection method: clinical testing. Allele origin: germline. Affected: no.

GeneDx
Classification: Benign. Last evaluated: 2020-03-10. Review status: criteria provided, single submitter. Criteria: GeneDx Variant Classification Process June 2021. Collection method: clinical testing. Allele origin: germline. Affected: yes.
Comment: This variant is associated with the following publications: (PMID: 27282254)

PreventionGenetics, part of Exact Sciences
Classification: Likely benign for SETD2-related condition. Last evaluated: 2019-02-20. Review status: no assertion criteria provided. Collection method: clinical testing. Allele origin: germline. Not counted in ClinVar's aggregate classification.
Comment: This variant is classified as likely benign based on ACMG/AMP sequence variant interpretation guidelines (Richards et al. 2015 PMID: 25741868, with internal and published modifications).